The following is an entry in ClinVar:

NM_020937.4(FANCM):c.4375C>G (p.Pro1459Ala)

Gene: FANCM (FA complementation group M; plus strand). Cytogenetic location: 14q21.2.
Variant type: single nucleotide variant.
Coding change: c.4375C>G on transcript NM_020937.4 (MANE Select); coding-DNA position 4375, C replaced by G.
Protein change: p.Pro1459Ala; replaces proline 1459 with alanine.
Molecular consequence: missense variant.
Genome position (GRCh38, 1-based): chr14:45,181,694, C>G. VCF-style: chr14-45181694-C-G. GRCh37 (hg19) VCF-style: chr14-45650897-C-G.
Other names: c.4297C>G, p.Pro1433Ala (NM_001308133.2); short protein forms P1433A, P1459A.
Identifiers: ClinVar variation 1004307 (VCV001004307.8), dbSNP rs1429932349, ClinGen allele CA389607376.

ClinVar aggregate classification (germline): Uncertain significance (1 of 4 stars; one submission).

Conditions:
Fanconi anemia (FA). Also called: Fanconi's anemia. Identifiers: Orphanet 84, MedGen C0015625, MeSH D005199, MONDO:0019391.

Allele frequency attached by ClinVar (database versions not stated): gnomAD exomes 0.00001.
gnomAD v4.1: 9 of 1,606,138 alleles (0.00056%); highest among the groups gnomAD compares: Non-Finnish European, 0.00077%; no homozygotes.

Submission:

Labcorp Genetics (formerly Invitae), Labcorp
Classification: Uncertain significance for Fanconi anemia. Last evaluated: 2024-04-16. Review status: criteria provided, single submitter. Criteria: Invitae Variant Classification Sherloc (09022015). Collection method: clinical testing. Allele origin: germline.
Comment: This sequence change replaces proline, which is neutral and non-polar, with alanine, which is neutral and non-polar, at codon 1459 of the FANCM protein (p.Pro1459Ala). This variant is present in population databases (no rsID available, gnomAD 0.002%). This variant has not been reported in the literature in individuals affected with FANCM-related conditions. ClinVar contains an entry for this variant (Variation ID: 1004307). An algorithm developed to predict the effect of missense changes on protein structure and function (PolyPhen-2) suggests that this variant is likely to be tolerated. In summary, the available evidence is currently insufficient to determine the role of this variant in disease. Therefore, it has been classified as a Variant of Uncertain Significance.